The following is an entry in ClinVar:

ClinVar aggregate classification (germline): Benign/Likely benign. Review status: criteria provided, multiple submitters, no conflicts (2 of 4 stars). 10 submissions from 10 submitters: Benign (3); Likely benign (4). 3 of the submissions do not count toward it. Last evaluated 2026-03-23.

Conditions:
Arrhythmogenic right ventricular dysplasia 10. Also called: Arrhythmogenic Right Ventricular Dysplasia/Cardiomyopathy10; Arrhythmogenic right ventricular dysplasia/cardiomyopathy, type 10; ARRHYTHMOGENIC RIGHT VENTRICULAR DYSPLASIA, FAMILIAL, 10. Identifiers: MedGen C1857777, MONDO:0012434, OMIM 610193.
Dilated cardiomyopathy 1BB (CMD1BB). Also called: CARDIOMYOPATHY, DILATED, 1BB, SUSCEPTIBILITY TO. Identifiers: Orphanet 154, MedGen C2752072, MONDO:0013030, OMIM 612877.

Allele frequency attached by ClinVar (database versions not stated): gnomAD exomes 0.00012 and 0.00061; ESP Exome Variant Server 0.00078; gnomAD 0.00170 and 0.00177; TOPMed 0.00197; 1000 Genomes Project 0.00220; 1000 Genomes Project 30x 0.00234; ExAC 0.00415.
gnomAD v4.1: 402 of 1,257,838 alleles (0.032%); highest among the groups gnomAD compares: African/African-American, 0.55%; 1 homozygote.

Submissions (10):

Women's Health and Genetics/Laboratory Corporation of America, LabCorp
Classification: Likely benign. Last evaluated: 2026-03-23. Review status: criteria provided, single submitter. Criteria: LabCorp Variant Classification Summary - May 2015. Collection method: clinical testing. Allele origin: germline.
Comment: Variant summary: DSG2 c.45+16G>C alters a nucleotide located at a position not widely known to affect splicing. Consensus agreement among computation tools predict no significant impact on normal splicing. However, these predictions have yet to be confirmed by functional studies. The variant allele was found at a frequency of 0.00061 in 22972 control chromosomes, predominantly at a frequency of 0.011 within the African or African-American subpopulation in the gnomAD database. The available data on variant occurrences in the general population are insufficient to allow any conclusion about variant significance. To our knowledge, no occurrence of c.45+16G>C in individuals affected with DSG2-related conditions and no experimental evidence demonstrating its impact on protein function have been reported. ClinVar contains an entry for this variant (Variation ID: 1284722). Based on the evidence outlined above, the variant was classified as likely benign.

Labcorp Genetics (formerly Invitae), Labcorp
Classification: Benign for Arrhythmogenic right ventricular dysplasia 10. Last evaluated: 2026-02-01. Review status: criteria provided, single submitter. Criteria: Invitae Variant Classification Sherloc (09022015). Collection method: clinical testing. Allele origin: germline.

ARUP Laboratories, Molecular Genetics and Genomics, ARUP Laboratories
Classification: Likely benign. Last evaluated: 2024-12-12. Review status: criteria provided, single submitter. Criteria: ARUP Molecular Germline Variant Investigation Process 2024. Collection method: clinical testing. Allele origin: germline.

Blueprint Genetics
Classification: Likely benign. Last evaluated: 2024-08-28. Review status: criteria provided, single submitter. Criteria: ACMG Guidelines, 2015. Collection method: clinical testing. Allele origin: germline.

Fulgent Genetics
Classification: Likely benign for Arrhythmogenic right ventricular dysplasia 10; Dilated cardiomyopathy 1BB. Last evaluated: 2021-08-26. Review status: criteria provided, single submitter. Criteria: ACMG Guidelines, 2015. Collection method: clinical testing. Allele origin: unknown.

GeneDx
Classification: Benign. Last evaluated: 2015-03-03. Review status: criteria provided, single submitter. Criteria: GeneDx Variant Classification Process June 2021. Collection method: clinical testing. Allele origin: germline. Affected: yes.

Breakthrough Genomics
Classification: Benign. Review status: criteria provided, single submitter. Criteria: ACMG Guidelines, 2015. Collection method: not provided. Allele origin: germline. Inheritance: Autosomal recessive inheritance. Affected: yes.

Clinical Genetics DNA and cytogenetics Diagnostics Lab, Erasmus MC, Erasmus Medical Center
Classification: Benign. Review status: no assertion criteria provided. Collection method: clinical testing. Allele origin: germline. Affected: yes. Study: VKGL Data-share Consensus. Not counted in ClinVar's aggregate classification.

Clinical Genetics, Academic Medical Center
Classification: Benign. Review status: no assertion criteria provided. Collection method: clinical testing. Allele origin: germline. Affected: yes. Study: VKGL Data-share Consensus. Not counted in ClinVar's aggregate classification.

Genome Diagnostics Laboratory, University Medical Center Utrecht
Classification: Benign. Review status: no assertion criteria provided. Collection method: clinical testing. Allele origin: germline. Affected: yes. Study: VKGL Data-share Consensus. Not counted in ClinVar's aggregate classification.

NM_001943.5(DSG2):c.45+16G>C

Genes: DSG2 (desmoglein 2; plus strand), LOC130062340 (ATAC-STARR-seq lymphoblastoid silent region 9384; plus strand). Cytogenetic location: 18q12.1.
Variant type: single nucleotide variant.
Coding change: c.45+16G>C on transcript NM_001943.5 (MANE Select); 16 bases into the intron after coding-DNA position 45, G replaced by C.
Molecular consequence: intron variant.
Genome position (GRCh38, 1-based): chr18:31,498,312, G>C. VCF-style: chr18-31498312-G-C. GRCh37 (hg19) VCF-style: chr18-29078275-G-C.
Identifiers: ClinVar variation 1284722 (VCV001284722.18), dbSNP rs199519502, ClinGen allele CA048810.